The following is an entry in ClinVar:

NM_003718.5(CDK13):c.2716G>A (p.Glu906Lys)

Gene: CDK13 (cyclin dependent kinase 13; plus strand). Cytogenetic location: 7p14.1.
Variant type: single nucleotide variant.
Coding change: c.2716G>A on transcript NM_003718.5 (MANE Select); coding-DNA position 2716, G replaced by A.
Protein change: p.Glu906Lys; replaces glutamic acid 906 with lysine.
Molecular consequence: missense variant.
Genome position (GRCh38, 1-based): chr7:40,063,036, G>A. VCF-style: chr7-40063036-G-A. GRCh37 (hg19) VCF-style: chr7-40102635-G-A.
Other names: c.2716G>A, p.Glu906Lys (NM_031267.4); short protein forms E906K.
Identifiers: ClinVar variation 521771 (VCV000521771.9), dbSNP rs1554335512, ClinGen allele CA367286244.

ClinVar aggregate classification (germline): Conflicting classifications of pathogenicity. Review status: criteria provided, conflicting classifications (1 of 4 stars). 4 submissions from 4 submitters: Pathogenic (2); Uncertain significance (1). 1 of the submissions does not count toward it. Last evaluated 2025-03-28.

Conditions:
Syndromic intellectual disability. Also called: Intellectual disability syndrome. Identifiers: Orphanet 183763, MedGen C5680525, MONDO:0000508.
Inborn genetic diseases. Identifiers: MedGen C0950123, MeSH D030342.

Submissions (4):

Ambry Genetics
Classification: Pathogenic for Inborn genetic diseases. Last evaluated: 2025-03-28. Review status: criteria provided, single submitter. Criteria: Ambry Variant Classification Scheme 2023. Collection method: clinical testing. Allele origin: germline.
Comment: The c.2716G>A (p.E906K) alteration is located in exon 9 (coding exon 9) of the CDK13 gene. This alteration results from a G to A substitution at nucleotide position 2716, causing the glutamic acid (E) at amino acid position 906 to be replaced by a lysine (K). This variant was not reported in population-based cohorts in the Genome Aggregation Database (gnomAD). This variant was determined to be de novo in at least one individual with features consistent with CDK13-related neurodevelopmental disorder (external communication). This amino acid position is highly conserved in available vertebrate species. This missense alteration is located in a region that has a low rate of benign missense variation (Lek, 2016; Firth, 2009). This alteration is predicted to be deleterious by in silico analysis. Based on the available evidence, this alteration is classified as pathogenic.

Blueprint Genetics
Classification: Uncertain significance. Last evaluated: 2024-08-14. Review status: criteria provided, single submitter. Criteria: ACMG Guidelines, 2015. Collection method: clinical testing. Allele origin: germline.

GeneDx
Classification: Pathogenic. Last evaluated: 2022-09-22. Review status: criteria provided, single submitter. Criteria: GeneDx Variant Classification Process June 2021. Collection method: clinical testing. Allele origin: germline. Affected: yes.
Comment: Not observed in large population cohorts (gnomAD); In silico analysis supports that this missense variant has a deleterious effect on protein structure/function; Has not been previously published as pathogenic or benign to our knowledge

Molecular Genetics Laboratory, BC Children's and BC Women's Hospitals
Classification: Uncertain significance for Syndromic intellectual disability. Last evaluated: 2025-06-11. Review status: no assertion criteria provided. Criteria: ACMG Guidelines, 2015. Collection method: clinical testing. Allele origin: unknown. Affected: yes. Not counted in ClinVar's aggregate classification.